The following is an entry in ClinVar:

NM_020442.6(VARS2):c.502C>T (p.Arg168Cys)

Gene: VARS2 (valyl-tRNA synthetase 2, mitochondrial; plus strand). Cytogenetic location: 6p21.33.
Variant type: single nucleotide variant.
Coding change: c.502C>T on transcript NM_020442.6 (MANE Select); coding-DNA position 502, C replaced by T.
Protein change: p.Arg168Cys; replaces arginine 168 with cysteine.
Molecular consequence: missense variant.
Genome position (GRCh38, 1-based): chr6:30,915,863, C>T. VCF-style: chr6-30915863-C-T. GRCh37 (hg19) VCF-style: chr6-30883640-C-T.
Other names: c.82C>T, p.Arg28Cys (NM_001167733.3); c.592C>T, p.Arg198Cys (NM_001167734.2); c.592C>T (NM_001167734.1); short protein forms R168C, R198C, R28C.
Identifiers: ClinVar variation 1709117 (VCV001709117.3), dbSNP rs766338883, ClinGen allele CA3705602.

ClinVar aggregate classification (germline): Uncertain significance. Review status: criteria provided, multiple submitters, no conflicts (2 of 4 stars). 2 submissions from 2 submitters: Uncertain significance (2). Last evaluated 2025-03-26.

Conditions:
Combined oxidative phosphorylation defect type 20. Also called: Combined oxidative phosphorylation deficiency 20. Identifiers: Orphanet 420728, MedGen C4014660, MONDO:0014397, OMIM 615917.

Allele frequency attached by ClinVar (database versions not stated): TOPMed 0.00002; ExAC 0.00001; gnomAD 0.00002.
gnomAD v4.1: 29 of 1,613,910 alleles (0.0018%); highest among the groups gnomAD compares: Non-Finnish European, 0.0023%; no homozygotes.

Submissions (2):

GeneDx
Classification: Uncertain significance. Last evaluated: 2025-03-26. Review status: criteria provided, single submitter. Criteria: GeneDx Variant Classification Process June 2021. Collection method: clinical testing. Allele origin: germline. Affected: yes.
Comment: Not observed at significant frequency in large population cohorts (gnomAD); In silico analysis supports that this missense variant has a deleterious effect on protein structure/function; Has not been previously published as pathogenic or benign to our knowledge

MGZ Medical Genetics Center
Classification: Uncertain significance for Combined oxidative phosphorylation defect type 20. Last evaluated: 2022-01-10. Review status: criteria provided, single submitter. Criteria: ACMG Guidelines, 2015. Collection method: clinical testing. Allele origin: germline. Affected: yes. Observed: 1 variant allele.
Comment: ACMG criteria applied: PM2_SUP, PP3